The following is an entry in ClinVar:

NM_001128178.3(NPHP1):c.*194T>C

Gene: NPHP1 (nephrocystin 1; minus strand). Cytogenetic location: 2q13.
Variant type: single nucleotide variant.
Coding change: c.*194T>C on transcript NM_001128178.3 (MANE Select); 194 bases downstream of the stop codon, T replaced by C.
Molecular consequence: 3 prime UTR variant.
Genome position (GRCh38, 1-based): chr2:110,123,597, A>G on the plus strand (T>C on the coding strand, the complement: NPHP1 is on the minus strand). VCF-style: chr2-110123597-A-G. GRCh37 (hg19) VCF-style: chr2-110881174-A-G.
Other names: c.*194T>C (NM_000272.5, NM_001128179.3, NM_001374256.1 and 1 more transcripts); c.*470T>C (NM_001374257.1).
Identifiers: ClinVar variation 894599 (VCV000894599.4), dbSNP rs189472793, ClinGen allele CA53520166.

ClinVar aggregate classification (germline): Conflicting classifications of pathogenicity. Review status: criteria provided, conflicting classifications (1 of 4 stars). 3 submissions from 1 submitter: Uncertain significance (2); Likely benign (1). Last evaluated 2018-01-12.

Conditions:
Joubert syndrome with renal defect. Also called: JOUBERT SYNDROME 4. Identifiers: Orphanet 220497, MedGen C1846790, MONDO:0012308, OMIM 609583.
Senior-Loken syndrome 1 (SLSN1). Also called: JUVENILE NEPHRONOPHTHISIS WITH LEBER AMAUROSIS. Identifiers: Orphanet 3156, MedGen C4551559, MONDO:0009962, OMIM 266900.
Nephronophthisis 1 (NPHP1). Also called: Nephronophthisis familial juvenile. Identifiers: Orphanet 655, Orphanet 93592, MedGen C1855681, MONDO:0009728, OMIM 256100.

Allele frequency attached by ClinVar (database versions not stated): 1000 Genomes Project 30x 0.00141; TOPMed 0.00272; 1000 Genomes Project 0.00100; gnomAD 0.00315 and 0.00318; gnomAD exomes 0.00484.

Submissions (3):

Illumina Laboratory Services, Illumina
Classification: Uncertain significance for Nephronophthisis 1. Last evaluated: 2018-01-12. Review status: criteria provided, single submitter. Criteria: ICSL Variant Classification Criteria 13 December 2019. Collection method: clinical testing. Allele origin: germline.

Illumina Laboratory Services, Illumina
Classification: Likely benign for Senior-Loken syndrome 1. Last evaluated: 2018-01-12. Review status: criteria provided, single submitter. Criteria: ICSL Variant Classification Criteria 13 December 2019. Collection method: clinical testing. Allele origin: germline.
Comment: This variant was observed in the ICSL laboratory as part of a predisposition screen in an ostensibly healthy population. It had not been previously curated by ICSL or reported in the Human Gene Mutation Database (HGMD: prior to June 1st, 2018), and was therefore a candidate for classification through an automated scoring system. Utilizing variant allele frequency, disease prevalence and penetrance estimates, and inheritance mode, an automated score was calculated to assess if this variant is too frequent to cause the disease. Based on the score and internal cut-off values, a variant classified as likely benign is not then subjected to further curation. The score for this variant resulted in a classification of likely benign for this disease.

Illumina Laboratory Services, Illumina
Classification: Uncertain significance for Joubert syndrome with renal defect. Last evaluated: 2018-01-12. Review status: criteria provided, single submitter. Criteria: ICSL Variant Classification Criteria 13 December 2019. Collection method: clinical testing. Allele origin: germline.